The following is an entry in ClinVar:

ClinVar aggregate classification (germline): Uncertain significance (1 of 4 stars; one submission).

Allele frequency attached by ClinVar (database versions not stated): gnomAD exomes below 0.00001; TOPMed below 0.00001.
gnomAD v4.1: 3 of 1,600,544 alleles (0.00019%); highest among the groups gnomAD compares: Non-Finnish European, 0.00026%; no homozygotes.

Submission:

Labcorp Genetics (formerly Invitae), Labcorp
Classification: Uncertain significance. Last evaluated: 2023-10-22. Review status: criteria provided, single submitter. Criteria: Invitae Variant Classification Sherloc (09022015). Collection method: clinical testing. Allele origin: germline.
Comment: This sequence change replaces arginine, which is basic and polar, with glutamine, which is neutral and polar, at codon 307 of the RELB protein (p.Arg307Gln). This variant is not present in population databases (gnomAD no frequency). This variant has not been reported in the literature in individuals affected with RELB-related conditions. ClinVar contains an entry for this variant (Variation ID: 2103626). An algorithm developed to predict the effect of missense changes on protein structure and function (PolyPhen-2) suggests that this variant is likely to be disruptive. In summary, the available evidence is currently insufficient to determine the role of this variant in disease. Therefore, it has been classified as a Variant of Uncertain Significance.

NM_006509.4(RELB):c.920G>A (p.Arg307Gln)

Gene: RELB (RELB proto-oncogene, NF-kB subunit; plus strand). Cytogenetic location: 19q13.32.
Variant type: single nucleotide variant.
Coding change: c.920G>A on transcript NM_006509.4 (MANE Select); coding-DNA position 920, G replaced by A.
Protein change: p.Arg307Gln; replaces arginine 307 with glutamine.
Molecular consequence: missense variant.
Genome position (GRCh38, 1-based): chr19:45,028,921, G>A. VCF-style: chr19-45028921-G-A. GRCh37 (hg19) VCF-style: chr19-45532179-G-A.
Other names: c.911G>A, p.Arg304Gln (NM_001411087.1); short protein forms R304Q, R307Q.
Identifiers: ClinVar variation 2103626 (VCV002103626.4), dbSNP rs1327345678, ClinGen allele CA406302582.